The following is an entry in ClinVar:

NM_024926.4(IFT56):c.1069+1G>A

Gene: IFT56 (intraflagellar transport 56; plus strand). Cytogenetic location: 7q34.
Variant type: single nucleotide variant.
Coding change: c.1069+1G>A on transcript NM_024926.4 (MANE Select); the canonical splice donor site of the intron after coding-DNA position 1069, G replaced by A.
Molecular consequence: splice donor variant.
Genome position (GRCh38, 1-based): chr7:139,169,353, G>A. VCF-style: chr7-139169353-G-A. GRCh37 (hg19) VCF-style: chr7-138854099-G-A.
Other names: c.649+1G>A (NM_001318333.2); c.1069+1G>A (NM_001321740.2, NM_001144920.3); c.751+1G>A (NM_001321741.2); c.676+1G>A (NM_001287512.2); c.976+1G>A (NM_001144923.3); c.754+1G>A (NM_001287513.2).
Identifiers: ClinVar variation 3028903 (VCV003028903.3), dbSNP rs1486636299, ClinGen allele CA369404730.
Genomic context (GRCh38, chr7:139,169,353, plus strand): 5'-ATCATATGAAAATTGCCCAGCAGTTCTTCCAGTTGGTGGGAGGATCAGCTAGTGAATGTG[G>A]TATGTCTGAAATCTGTACTTATGATCTGCTTCATAATTGGAGTGGGGCATATATTGACCG-3'

ClinVar aggregate classification (germline): Pathogenic/Likely pathogenic. Review status: criteria provided, multiple submitters, no conflicts (2 of 4 stars). 2 submissions from 2 submitters: Pathogenic (1); Likely pathogenic (1). Last evaluated 2026-08-06.

Conditions:
Paediatric disorders.
Biliary, renal, neurologic, and skeletal syndrome (BRENS). Also called: BRENS SYNDROME. Identifiers: MedGen C5561990, MONDO:0859191, OMIM 619534.

Allele frequency attached by ClinVar (database versions not stated): gnomAD 0.00001.
gnomAD v4.1: 1 of 1,613,634 alleles (0.000062%); highest among the groups gnomAD compares: Non-Finnish European, 0.000085%; no homozygotes.

Submissions (2):

NHS Central & South Genomic Laboratory Hub
Classification: Pathogenic for Paediatric disorders. Last evaluated: 2026-08-06. Review status: criteria provided, single submitter. Criteria: ACMG Guidelines, 2015. Collection method: clinical testing. Allele origin: germline. Affected: yes.

Human Genetics Section, Sidra Medicine
Classification: Likely pathogenic for Biliary, renal, neurologic, and skeletal syndrome. Last evaluated: 2024-02-28. Review status: criteria provided, single submitter. Criteria: ACMG Guidelines, 2015. Collection method: research. Allele origin: germline. Affected: yes. Observed: 1 variant allele.
Comment: Null variant in a gene where loss of function is a known mechanism of disease. Predicted to undergo nonsense mediated decay. Allele frequency is extremely low in all databases (GnomAD total allele frequency 0.00003185). We classify the variant as likely pathogenic.